The following is an entry in ClinVar:

NM_024700.4(SNIP1):c.521C>T (p.Ala174Val)

Genes: SNIP1 (Smad nuclear interacting protein 1; minus strand), LOC126805704 (BRD4-independent group 4 enhancer GRCh37_chr1:38005292-38006491; plus strand). Cytogenetic location: 1p34.3.
Variant type: single nucleotide variant.
Coding change: c.521C>T on transcript NM_024700.4 (MANE Select); coding-DNA position 521, C replaced by T.
Protein change: p.Ala174Val; replaces alanine 174 with valine.
Molecular consequence: missense variant.
Genome position (GRCh38, 1-based): chr1:37,540,562, G>A on the plus strand (C>T on the coding strand, the complement: SNIP1 is on the minus strand). VCF-style: chr1-37540562-G-A. GRCh37 (hg19) VCF-style: chr1-38006163-G-A.
Other names: short protein forms A174V.
Identifiers: ClinVar variation 798217 (VCV000798217.38), dbSNP rs147613529, ClinGen allele CA771316.

ClinVar aggregate classification (germline): Likely benign. Review status: criteria provided, multiple submitters, no conflicts (2 of 4 stars). 5 submissions from 5 submitters: Likely benign (5). Last evaluated 2026-01-26.

Conditions:
SNIP1-related disorder. Also called: SNIP1-related condition.

Allele frequency attached by ClinVar (database versions not stated): ESP Exome Variant Server 0.00092; 1000 Genomes Project 30x 0.00094; gnomAD 0.00096 and 0.00103; TOPMed 0.00119; 1000 Genomes Project 0.00120; ExAC 0.00133; gnomAD exomes 0.00133.
gnomAD v4.1: 1,716 of 1,614,042 alleles (0.11%); highest among the groups gnomAD compares: Middle Eastern, 3%; 8 homozygotes.

Submissions (5):

Labcorp Genetics (formerly Invitae), Labcorp
Classification: Likely benign. Last evaluated: 2026-01-26. Review status: criteria provided, single submitter. Criteria: Invitae Variant Classification Sherloc (09022015). Collection method: clinical testing. Allele origin: germline.

CeGaT Center for Human Genetics Tuebingen
Classification: Likely benign. Last evaluated: 2025-06-01. Review status: criteria provided, single submitter. Criteria: CeGaT Center For Human Genetics Tuebingen Variant Classification Criteria Version 2. Collection method: clinical testing. Allele origin: germline. Affected: yes. Observed: 6 variant alleles.
Comment: SNIP1: BP4, BS2

PreventionGenetics, part of Exact Sciences
Classification: Likely benign for SNIP1-related condition. Last evaluated: 2024-11-25. Review status: criteria provided, single submitter. Criteria: ACMG Guidelines, 2015. Collection method: clinical testing. Allele origin: germline.
Comment: This variant is classified as likely benign based on ACMG/AMP sequence variant interpretation guidelines (Richards et al. 2015 PMID: 25741868, with internal and published modifications).

Blueprint Genetics
Classification: Likely benign. Last evaluated: 2024-11-21. Review status: criteria provided, single submitter. Criteria: ACMG Guidelines, 2015. Collection method: clinical testing. Allele origin: germline.

Breakthrough Genomics
Classification: Likely benign. Review status: criteria provided, single submitter. Criteria: ACMG Guidelines, 2015. Collection method: not provided. Allele origin: germline. Inheritance: Autosomal recessive inheritance. Affected: yes.